The following is an entry in ClinVar:

ClinVar aggregate classification (germline): Benign (0 of 4 stars; one submission).

Conditions:
TNFRSF25-related disorder. Also called: TNFRSF25-related condition.

Allele frequency attached by ClinVar (database versions not stated): gnomAD exomes 0.07132; ExAC 0.09020; 1000 Genomes Project 0.09864; 1000 Genomes Project 30x 0.10041; TOPMed 0.10230; gnomAD 0.10335; ESP Exome Variant Server 0.10731.

Submissions (14):

PreventionGenetics, part of Exact Sciences
Classification: Benign for TNFRSF25-related condition. Last evaluated: 2019-11-14. Review status: no assertion criteria provided. Collection method: clinical testing. Allele origin: germline.
Comment: This variant is classified as benign based on ACMG/AMP sequence variant interpretation guidelines (Richards et al. 2015 PMID: 25741868, with internal and published modifications).

Dr. Peter K. Rogan Lab, Western University
No classification provided (evidence only). Condition: Acute myeloid leukemia. Review status: no classification provided. Collection method: in vitro. Allele origin: not applicable. Functional consequence: retained intron. Not counted in ClinVar's aggregate classification.

Dr. Peter K. Rogan Lab, Western University
No classification provided (evidence only). Condition: Acute myeloid leukemia. Review status: no classification provided. Collection method: in vitro. Allele origin: not applicable. Functional consequence: retained intron. Not counted in ClinVar's aggregate classification.

Dr. Peter K. Rogan Lab, Western University
No classification provided (evidence only). Condition: Acute myeloid leukemia. Review status: no classification provided. Collection method: in vitro. Allele origin: not applicable. Functional consequence: retained intron. Not counted in ClinVar's aggregate classification.

Dr. Peter K. Rogan Lab, Western University
No classification provided (evidence only). Condition: Acute myeloid leukemia. Review status: no classification provided. Collection method: in vitro. Allele origin: not applicable. Functional consequence: retained intron. Not counted in ClinVar's aggregate classification.

Dr. Peter K. Rogan Lab, Western University
No classification provided (evidence only). Condition: Acute myeloid leukemia. Review status: no classification provided. Collection method: in vitro. Allele origin: not applicable. Functional consequence: retained intron. Not counted in ClinVar's aggregate classification.

Dr. Peter K. Rogan Lab, Western University
No classification provided (evidence only). Condition: Colorectal cancer. Review status: no classification provided. Collection method: in vitro. Allele origin: not applicable. Functional consequence: retained intron. Not counted in ClinVar's aggregate classification.

Dr. Peter K. Rogan Lab, Western University
No classification provided (evidence only). Condition: Colorectal cancer. Review status: no classification provided. Collection method: in vitro. Allele origin: not applicable. Functional consequence: retained intron. Not counted in ClinVar's aggregate classification.

Dr. Peter K. Rogan Lab, Western University
No classification provided (evidence only). Condition: Malignant lymphoma, large B-cell, diffuse. Review status: no classification provided. Collection method: in vitro. Allele origin: not applicable. Functional consequence: retained intron. Not counted in ClinVar's aggregate classification.

Dr. Peter K. Rogan Lab, Western University
No classification provided (evidence only). Condition: Malignant lymphoma, large B-cell, diffuse. Review status: no classification provided. Collection method: in vitro. Allele origin: not applicable. Functional consequence: retained intron. Not counted in ClinVar's aggregate classification.

Dr. Peter K. Rogan Lab, Western University
No classification provided (evidence only). Condition: Cholangiocarcinoma. Review status: no classification provided. Collection method: in vitro. Allele origin: not applicable. Functional consequence: retained intron. Not counted in ClinVar's aggregate classification.

Dr. Peter K. Rogan Lab, Western University
No classification provided (evidence only). Condition: Adrenocortical carcinoma, hereditary. Review status: no classification provided. Collection method: in vitro. Allele origin: not applicable. Functional consequence: retained intron. Not counted in ClinVar's aggregate classification.

Dr. Peter K. Rogan Lab, Western University
No classification provided (evidence only). Condition: Uterine carcinosarcoma. Review status: no classification provided. Collection method: in vitro. Allele origin: not applicable. Functional consequence: retained intron. Not counted in ClinVar's aggregate classification.

Dr. Peter K. Rogan Lab, Western University
No classification provided (evidence only). Condition: Uterine carcinosarcoma. Review status: no classification provided. Collection method: in vitro. Allele origin: not applicable. Functional consequence: retained intron. Not counted in ClinVar's aggregate classification.

NM_003790.3(TNFRSF25):c.476A>G (p.Asp159Gly)

Gene: TNFRSF25 (TNF receptor superfamily member 25; minus strand). Cytogenetic location: 1p36.31.
Variant type: single nucleotide variant.
Coding change: c.476A>G on transcript NM_003790.3 (MANE Select); coding-DNA position 476, A replaced by G.
Protein change: p.Asp159Gly; replaces aspartic acid 159 with glycine.
Molecular consequence: missense variant. On other transcripts: intron variant (1).
Genome position (GRCh38, 1-based): chr1:6,464,441, T>C on the plus strand (A>G on the coding strand, the complement: TNFRSF25 is on the minus strand). VCF-style: chr1-6464441-T-C. GRCh37 (hg19) VCF-style: chr1-6524501-T-C.
Other names: NC_000001.10:g.6524501T>C; c.476A>G, p.Asp159Gly (NM_001039664.2, NM_148965.2, NM_148966.2); c.341A>G, p.Asp114Gly (NM_148967.2); c.160+999A>G (NM_148970.2); short protein forms D114G, D159G.
Identifiers: ClinVar variation 3056652 (VCV003056652.3), dbSNP rs11800462, ClinGen allele CA560839.